The following is an entry in ClinVar:

NM_032242.4(PLXNA1):c.5527C>T (p.Leu1843=)

Gene: PLXNA1 (plexin A1; plus strand). Cytogenetic location: 3q21.3.
Variant type: single nucleotide variant.
Coding change: c.5527C>T on transcript NM_032242.4 (MANE Select); coding-DNA position 5527, C replaced by T.
Protein change: p.Leu1843=; no amino-acid change (leucine 1843 retained).
Molecular consequence: synonymous variant.
Genome position (GRCh38, 1-based): chr3:127,032,768, C>T. VCF-style: chr3-127032768-C-T. GRCh37 (hg19) VCF-style: chr3-126751611-C-T.
Identifiers: ClinVar variation 4986838 (VCV004986838.1).

ClinVar aggregate classification (germline): Likely benign (1 of 4 stars; one submission).

Conditions:
PLXNA1-related disorder. Also called: PLXNA1-related condition.

gnomAD v4.1: 2 of 1,613,476 alleles (0.00012%); highest among the groups gnomAD compares: South Asian, 0.0022%; no homozygotes.

Submission:

PreventionGenetics, part of Exact Sciences
Classification: Likely benign for PLXNA1-related condition. Last evaluated: 2024-12-17. Review status: criteria provided, single submitter. Criteria: ACMG Guidelines, 2015. Collection method: clinical testing. Allele origin: germline.
Comment: This variant is classified as likely benign based on ACMG/AMP sequence variant interpretation guidelines (Richards et al. 2015 PMID: 25741868, with internal and published modifications).